The following is an entry in ClinVar:

ClinVar aggregate classification (germline): Uncertain significance (1 of 4 stars; one submission).

Submission:

Labcorp Genetics (formerly Invitae), Labcorp
Classification: Uncertain significance. Last evaluated: 2025-07-29. Review status: criteria provided, single submitter. Criteria: Invitae Variant Classification Sherloc (09022015). Collection method: clinical testing. Allele origin: germline.
Comment: This sequence change replaces glycine, which is neutral and non-polar, with cysteine, which is neutral and slightly polar, at codon 245 of the MICAL1 protein (p.Gly245Cys). This variant also falls at the last nucleotide of exon 5, which is part of the consensus splice site for this exon. This variant is not present in population databases (gnomAD no frequency). This variant has not been reported in the literature in individuals affected with MICAL1-related conditions. An algorithm developed to predict the effect of missense changes on protein structure and function (PolyPhen-2) suggests that this variant is likely to be disruptive. Variants that disrupt the consensus splice site are a relatively common cause of aberrant splicing (PMID: 17576681, 9536098). Algorithms developed to predict the effect of sequence changes on RNA splicing suggest that this variant may disrupt the consensus splice site. In summary, the available evidence is currently insufficient to determine the role of this variant in disease. Therefore, it has been classified as a Variant of Uncertain Significance.

Literature cited by the submitters: PubMed 17576681; PubMed 9536098.

NM_022765.4(MICAL1):c.676G>T (p.Gly226Cys)

Gene: MICAL1 (microtubule associated monooxygenase, calponin and LIM domain containing 1; minus strand). Cytogenetic location: 6q21.
Variant type: single nucleotide variant.
Coding change: c.676G>T on transcript NM_022765.4 (MANE Select); coding-DNA position 676, G replaced by T.
Protein change: p.Gly226Cys; replaces glycine 226 with cysteine.
Molecular consequence: missense variant.
Genome position (GRCh38, 1-based): chr6:109,452,511, C>A on the plus strand (G>T on the coding strand, the complement: MICAL1 is on the minus strand). VCF-style: chr6-109452511-C-A. GRCh37 (hg19) VCF-style: chr6-109773714-C-A.
Other names: c.676G>T, p.Gly226Cys (NM_001159291.2); c.733G>T, p.Gly245Cys (NM_001286613.2); short protein forms G226C, G245C.
Identifiers: ClinVar variation 4723899 (VCV004723899.1).